The following is an entry in ClinVar:

NM_000090.4(COL3A1):c.2338-7T>C

Genes: COL3A1 (collagen type III alpha 1 chain; plus strand), LOC126806446 (P300/CBP strongly-dependent group 1 enhancer GRCh37_chr2:189866210-189867409; plus strand). Cytogenetic location: 2q32.2.
Variant type: single nucleotide variant.
Coding change: c.2338-7T>C on transcript NM_000090.4 (MANE Select); 7 bases into the intron before coding-DNA position 2338, T replaced by C.
Molecular consequence: intron variant.
Genome position (GRCh38, 1-based): chr2:189,001,529, T>C. VCF-style: chr2-189001529-T-C. GRCh37 (hg19) VCF-style: chr2-189866255-T-C.
Identifiers: ClinVar variation 921877 (VCV000921877.3), dbSNP rs1688463217, ClinGen allele CA913187985.

ClinVar aggregate classification (germline): Likely benign. Review status: criteria provided, multiple submitters, no conflicts (2 of 4 stars). 2 submissions from 2 submitters: Likely benign (2). Last evaluated 2023-06-08.

Conditions:
Ehlers-Danlos syndrome, type 4 (EDSVASC). Also called: Ehlers-Danlos Syndrome Type IV; Ehlers-Danlos syndrome vascular type; Ehlers Danlos syndrome, ecchymotic type; Ehlers Danlos syndrome, arterial type; Ehlers Danlos syndrome, Sack-Barabas type. Identifiers: Orphanet 286, MedGen C0268338, MONDO:0017314, OMIM 130050.
Familial thoracic aortic aneurysm and aortic dissection (TAAD). Also called: Thoracic aortic aneurysms and dissections. Identifiers: Orphanet 91387, MedGen C4707243, MONDO:0019625.

Submissions (2):

All of Us Research Program, National Institutes of Health
Classification: Likely benign for Ehlers-Danlos syndrome, type 4. Last evaluated: 2023-06-08. Review status: criteria provided, single submitter. Criteria: ACMG Guidelines, 2015. Collection method: clinical testing. Allele origin: germline. Inheritance: Autosomal dominant inheritance. Observed: 1 variant allele, 1 heterozygote.
Comment: This study involves interpretation of variants in research participants for the purpose of population health screening. Participant phenotype was not available at the time of variant classification. Additional details can be found in publication PMID: 35346344, PMCID: PMC8962531

Color Diagnostics, LLC DBA Color Health
Classification: Likely benign for Familial thoracic aortic aneurysm and aortic dissection. Last evaluated: 2018-11-14. Review status: criteria provided, single submitter. Criteria: ACMG Guidelines, 2015. Collection method: clinical testing. Allele origin: germline.